The following is an entry in ClinVar:

NM_000173.7(GP1BA):c.463C>G (p.Leu155Val)

Gene: GP1BA (glycoprotein Ib platelet subunit alpha; plus strand). Cytogenetic location: 17p13.2.
Variant type: single nucleotide variant.
Coding change: c.463C>G on transcript NM_000173.7 (MANE Select); coding-DNA position 463, C replaced by G.
Protein change: p.Leu155Val; replaces leucine 155 with valine.
Molecular consequence: missense variant.
Genome position (GRCh38, 1-based): chr17:4,933,067, C>G. VCF-style: chr17-4933067-C-G. GRCh37 (hg19) VCF-style: chr17-4836362-C-G.
Other names: NM_000173.7(GP1BA):c.463C>G; p.Leu155Val; short protein forms L155V.
Identifiers: ClinVar variation 1677264 (VCV001677264.4), dbSNP rs2151107851, ClinGen allele CA397316714.

ClinVar aggregate classification (germline): Uncertain significance. Review status: reviewed by expert panel (3 of 4 stars). 3 submissions from 2 submitters: Uncertain significance (1). 2 of the submissions do not count toward it. Last evaluated 2025-11-06.

Conditions:
Bernard-Soulier syndrome, type A2, autosomal dominant (BSSA2). Also called: Bernard-Soulier syndrome, type A2 (dominant). Identifiers: Orphanet 274, MedGen C3277076, MONDO:0007930, OMIM 153670.
Bernard Soulier syndrome (BSS). Also called: BLEEDING DISORDER, PLATELET-TYPE, 1; GLYCOPROTEIN Ib, PLATELET, DEFICIENCY OF; PLATELET GLYCOPROTEIN Ib DEFICIENCY; VON WILLEBRAND FACTOR RECEPTOR DEFICIENCY; Giant platelet syndrome; Hemorrhagiparous thrombocytic dystrophy. Identifiers: Orphanet 274, MedGen C0005129, MeSH D001606, MONDO:0009276, OMIM 231200.

Submissions (3):

ClinGen Platelet Disorders Variant Curation Expert Panel, ClinGen
Classification: Uncertain significance for Bernard Soulier syndrome. Last evaluated: 2025-11-06. Review status: reviewed by expert panel. Criteria: ClinGen Platelet ACMG Specifications GP1BA V1.0.0. Collection method: curation. Allele origin: germline. Inheritance: Autosomal recessive inheritance.
Comment: The c.463C>G variant in GP1BA is a missense variant predicted to cause substitution of Leucine by Valine at amino acid 155 (p.Leu155Val). At least one patient (Patient 21 in PMID: 28983057) with this variant had aggregation absent for ristocetin and present for all other agonists, which is highly specific for Bernard-Soulier syndrome. Additionally, the patient had excessive mucocutaneous bleeding and macrothrombocytopenia which are consistent with Bernard-Soulier syndrome (PP4). This variant is absent from gnomAD v4.1.0 (PM2_Supporting). The computational predictor REVEL gives a score of 0.290, which is below the ClinGen PD VCEP threshold of <=0.290 and predicts no damaging effect on GP1BA function and the SpliceAI score is zero (BP4). Due to conflicting evidence, this variant is classified as a variant of unknown significance for autosomal recessive Bernard-Soulier syndrome based on the ACMG/AMP criteria applied, as specified by the ClinGen PD-VCEP: PP4, PM3_Supporting, PM2_Supporting and BP4 (VCEP specifications version 2).

ISTH-SSC Genomics in Thrombosis and Hemostasis, KU Leuven, Center for Molecular and Vascular Biology
Classification: Uncertain significance for Bernard-Soulier syndrome, type A2, autosomal dominant. Review status: criteria provided, single submitter. Criteria: ACMG Guidelines, 2015. Collection method: clinical testing. Allele origin: germline. Affected: yes. Observed: 1 heterozygote. Not counted in ClinVar's aggregate classification.
Comment: Submitted to GoldVariant by Jose María Bastida and José Rivera; Grupo Español de Alteraciones Plaquetarias Congénitas (GEAPC)

ISTH-SSC Genomics in Thrombosis and Hemostasis, KU Leuven, Center for Molecular and Vascular Biology
Classification: Uncertain significance for Bernard Soulier syndrome. Review status: criteria provided, single submitter. Criteria: ACMG Guidelines, 2015. Collection method: clinical testing. Allele origin: germline. Affected: yes. Observed: 1 homozygote. Not counted in ClinVar's aggregate classification.
Comment: the same text as in the submission from ISTH-SSC Genomics in Thrombosis and Hemostasis, KU Leuven, Center for Molecular and Vascular Biology above.